The following is an entry in ClinVar:

ClinVar aggregate classification (germline): Uncertain significance (1 of 4 stars; one submission).

Conditions:
Hereditary spastic paraplegia 3A (SPG3A). Also called: Spastic paraplegia 3A, autosomal dominant; SPASTIC PARAPLEGIA 3, AUTOSOMAL DOMINANT; FAMILIAL SPASTIC PARAPLEGIA, AUTOSOMAL DOMINANT, 1; SPG3; STRUMPELL DISEASE; Spastic Paraplegia 3A. Identifiers: Orphanet 100984, MedGen C2931355, MONDO:0008437, OMIM 182600.

Submission:

Labcorp Genetics (formerly Invitae), Labcorp
Classification: Uncertain significance for Hereditary spastic paraplegia 3A. Last evaluated: 2024-12-17. Review status: criteria provided, single submitter. Criteria: Invitae Variant Classification Sherloc (09022015). Collection method: clinical testing. Allele origin: germline.
Comment: This sequence change replaces arginine, which is basic and polar, with serine, which is neutral and polar, at codon 535 of the ATL1 protein (p.Arg535Ser). This variant is not present in population databases (gnomAD no frequency). This variant has not been reported in the literature in individuals affected with ATL1-related conditions. Invitae Evidence Modeling of protein sequence and biophysical properties (such as structural, functional, and spatial information, amino acid conservation, physicochemical variation, residue mobility, and thermodynamic stability) has been performed for this missense variant. However, the output from this modeling did not meet the statistical confidence thresholds required to predict the impact of this variant on ATL1 protein function. In summary, the available evidence is currently insufficient to determine the role of this variant in disease. Therefore, it has been classified as a Variant of Uncertain Significance.

NM_015915.5(ATL1):c.1605A>C (p.Arg535Ser)

Gene: ATL1 (atlastin GTPase 1; plus strand). Cytogenetic location: 14q22.1.
Variant type: single nucleotide variant.
Coding change: c.1605A>C on transcript NM_015915.5 (MANE Select); coding-DNA position 1605, A replaced by C.
Protein change: p.Arg535Ser; replaces arginine 535 with serine.
Molecular consequence: missense variant.
Genome position (GRCh38, 1-based): chr14:50,632,267, A>C. VCF-style: chr14-50632267-A-C. GRCh37 (hg19) VCF-style: chr14-51098985-A-C.
Other names: c.1590A>C, p.Arg530Ser (NM_001127713.1, NM_181598.4); short protein forms R535S, R530S.
Identifiers: ClinVar variation 3685279 (VCV003685279.2).